The following is an entry in ClinVar:

NM_001379500.1(COL18A1):c.3053dup (p.Gly1019fs)

Genes: COL18A1 (collagen type XVIII alpha 1 chain; plus strand), SLC19A1 (solute carrier family 19 member 1; minus strand). Cytogenetic location: 21q22.3.
Variant type: Duplication.
Coding change: c.3053dup on transcript NM_001379500.1 (MANE Select); coding-DNA position 3053, one base duplicated (C; older notation c.3053dupC).
Protein change: p.Gly1019fs; shifts the reading frame from glycine 1019.
Molecular consequence: frameshift variant.
Genome position (GRCh38, 1-based): chr21:45,505,397, C duplicated; the last of 5 consecutive C bases (chr21:45,505,393-45,505,397); duplicating any one gives the same sequence. VCF-style (leftmost placement, unchanged base first): chr21-45505392-G-GC. GRCh37 (hg19) VCF-style: chr21-46925306-G-GC.
Other names: c.3584dup, p.Gly1196fs (NM_030582.4); c.4289dup, p.Gly1431fs (NM_130444.3); short protein forms G1019fs, G1196fs, G1431fs.
Identifiers: ClinVar variation 1452623 (VCV001452623.7), dbSNP rs2146083176, ClinGen allele CA2573157810.

ClinVar aggregate classification (germline): Pathogenic/Likely pathogenic. Review status: criteria provided, multiple submitters, no conflicts (2 of 4 stars). 2 submissions from 2 submitters: Pathogenic (1); Likely pathogenic (1). Last evaluated 2023-10-13.

Conditions:
COL18A1-related disorder. Also called: COL18A1-related disorders; COL18A1-related condition.

Submissions (2):

Labcorp Genetics (formerly Invitae), Labcorp
Classification: Pathogenic. Last evaluated: 2023-10-13. Review status: criteria provided, single submitter. Criteria: Invitae Variant Classification Sherloc (09022015). Collection method: clinical testing. Allele origin: germline.
Comment: This sequence change creates a premature translational stop signal (p.Gly1016Trpfs*68) in the COL18A1 gene. It is expected to result in an absent or disrupted protein product. Loss-of-function variants in COL18A1 are known to be pathogenic (PMID: 12415512, 25456301). This variant is not present in population databases (gnomAD no frequency). This variant has not been reported in the literature in individuals affected with COL18A1-related conditions. ClinVar contains an entry for this variant (Variation ID: 1452623). For these reasons, this variant has been classified as Pathogenic.

Blueprint Genetics
Classification: Likely pathogenic for COL18A1-related disorders. Last evaluated: 2020-04-14. Review status: criteria provided, single submitter. Criteria: ACMG Guidelines, 2015. Collection method: clinical testing. Allele origin: germline. Affected: yes. Observed: 1 variant allele.

Literature cited by the submitters: PubMed 12415512 (cited by Labcorp Genetics (formerly Invitae), Labcorp); PubMed 25456301 (cited by Labcorp Genetics (formerly Invitae), Labcorp).